The following is an entry in ClinVar:

ClinVar aggregate classification (germline): Uncertain significance (1 of 4 stars; one submission).

Submission:

GeneDx
Classification: Uncertain significance. Last evaluated: 2024-12-13. Review status: criteria provided, single submitter. Criteria: GeneDx Variant Classification Process June 2021. Collection method: clinical testing. Allele origin: germline. Affected: yes.
Comment: Not observed at significant frequency in large population cohorts (gnomAD); In silico analysis indicates that this missense variant does not alter protein structure/function; Has not been previously published as pathogenic or benign to our knowledge

NM_032119.4(ADGRV1):c.15923G>A (p.Arg5308Lys)

Gene: ADGRV1 (adhesion G protein-coupled receptor V1; plus strand). Cytogenetic location: 5q14.3.
Variant type: single nucleotide variant.
Coding change: c.15923G>A on transcript NM_032119.4 (MANE Select); coding-DNA position 15923, G replaced by A.
Protein change: p.Arg5308Lys; replaces arginine 5308 with lysine.
Molecular consequence: missense variant. On other transcripts: non-coding transcript variant (1).
Genome position (GRCh38, 1-based): chr5:90,811,183, G>A. VCF-style: chr5-90811183-G-A. GRCh37 (hg19) VCF-style: chr5-90107000-G-A.
Other names: short protein forms R5308K.
Identifiers: ClinVar variation 3902853 (VCV003902853.1).